The following is an entry in ClinVar:

ClinVar aggregate classification (germline): Uncertain significance (1 of 4 stars; one submission).

Conditions:
Epilepsy, idiopathic generalized, susceptibility to, 13. Also called: EPILEPSY, JUVENILE MYOCLONIC, SUSCEPTIBILITY TO, 5. Identifiers: Orphanet 307, Orphanet 64280, MedGen C4013473, MONDO:0012627, OMIM 611136.
Epilepsy, childhood absence 4 (ECA4). Also called: EPILEPSY, CHILDHOOD ABSENCE, SUSCEPTIBILITY TO, 4. Identifiers: Orphanet 307, MedGen C1970160.
Idiopathic generalized epilepsy. Also called: Generalised epilepsy; EIG. Identifiers: MedGen C0270850, MONDO:0005579, OMIM 600669.

Submission:

Labcorp Genetics (formerly Invitae), Labcorp
Classification: Uncertain significance for Epilepsy, childhood absence 4; Epilepsy, idiopathic generalized, susceptibility to, 13; Idiopathic generalized epilepsy. Last evaluated: 2025-12-01. Review status: criteria provided, single submitter. Criteria: Invitae Variant Classification Sherloc (09022015). Collection method: clinical testing. Allele origin: germline.
Comment: This sequence change replaces threonine, which is neutral and polar, with proline, which is neutral and non-polar, at codon 338 of the GABRA1 protein (p.Thr338Pro). This variant is not present in population databases (gnomAD no frequency). This variant has not been reported in the literature in individuals affected with GABRA1-related conditions. Invitae Evidence Modeling of protein sequence and biophysical properties (such as structural, functional, and spatial information, amino acid conservation, physicochemical variation, residue mobility, and thermodynamic stability) indicates that this missense variant is expected to disrupt GABRA1 protein function with a positive predictive value of 95%. In summary, the available evidence is currently insufficient to determine the role of this variant in disease. Therefore, it has been classified as a Variant of Uncertain Significance.

NM_001127644.2(GABRA1):c.1012A>C (p.Thr338Pro)

Gene: GABRA1 (gamma-aminobutyric acid type A receptor subunit alpha1; plus strand). Cytogenetic location: 5q34.
Variant type: single nucleotide variant.
Coding change: c.1012A>C on transcript NM_001127644.2 (MANE Select); coding-DNA position 1012, A replaced by C.
Protein change: p.Thr338Pro; replaces threonine 338 with proline.
Molecular consequence: missense variant.
Genome position (GRCh38, 1-based): chr5:161,895,821, A>C. VCF-style: chr5-161895821-A-C. GRCh37 (hg19) VCF-style: chr5-161322827-A-C.
Other names: c.1012A>C, p.Thr338Pro (NM_000806.5, NM_001127643.2, NM_001127645.2 and 1 more transcripts); short protein forms T338P.
Identifiers: ClinVar variation 4789490 (VCV004789490.1).